The following is an entry in ClinVar:

NM_001510.4(GRID2):c.21C>T (p.Leu7=)

Genes: GRID2 (glutamate ionotropic receptor delta type subunit 2; plus strand), GRID2-AS1 (GRID2 antisense RNA 1; minus strand). Cytogenetic location: 4q22.1.
Variant type: single nucleotide variant.
Coding change: c.21C>T on transcript NM_001510.4 (MANE Select); coding-DNA position 21, C replaced by T.
Protein change: p.Leu7=; no amino-acid change (leucine 7 retained).
Molecular consequence: synonymous variant.
Genome position (GRCh38, 1-based): chr4:92,304,677, C>T. VCF-style: chr4-92304677-C-T. GRCh37 (hg19) VCF-style: chr4-93225828-C-T.
Other names: c.21C>T, p.Leu7= (NM_001286838.1).
Identifiers: ClinVar variation 3053254 (VCV003053254.2), dbSNP rs2530588631, ClinGen allele CA440451434.
Genomic context (GRCh38, chr4:92,304,677, plus strand): 5'-GAAGAAAATCCATCCTCCAAGAGAATCGGCATAGGAGGAGATGGAAGTTTTCCCCTTTCT[C>T]TTGGTTTTGTCCGTCTGGTGGTCTCGAACCTGGGACTCGGCGAATGCGGATTCGATCATT-3'
Protein context (NP_001501.2, residues 1-17): MEVFPF[Leu7=]LVLSVWWSRT

ClinVar aggregate classification (germline): Likely benign (0 of 4 stars; one submission).

Conditions:
GRID2-related disorder. Also called: GRID2-related condition.

Submission:

PreventionGenetics, part of Exact Sciences
Classification: Likely benign for GRID2-related condition. Last evaluated: 2019-09-06. Review status: no assertion criteria provided. Collection method: clinical testing. Allele origin: germline.
Comment: This variant is classified as likely benign based on ACMG/AMP sequence variant interpretation guidelines (Richards et al. 2015 PMID: 25741868, with internal and published modifications).